The following is an entry in ClinVar:

ClinVar aggregate classification (germline): Likely benign (1 of 4 stars; one submission).

Allele frequency attached by ClinVar (database versions not stated): ExAC 0.00001; gnomAD exomes 0.00001; TOPMed 0.00002; gnomAD 0.00003; 1000 Genomes Project 30x 0.00016; 1000 Genomes Project 0.00020.
gnomAD v4.1: 24 of 1,611,432 alleles (0.0015%); highest among the groups gnomAD compares: Middle Eastern, 0.017%; no homozygotes.

Submission:

CeGaT Center for Human Genetics Tuebingen
Classification: Likely benign. Last evaluated: 2022-07-01. Review status: criteria provided, single submitter. Criteria: CeGaT Center For Human Genetics Tuebingen Variant Classification Criteria Version 2. Collection method: clinical testing. Allele origin: germline. Affected: yes. Observed: 1 variant allele.
Comment: ACACB: BP4, BP7

NM_001093.4(ACACB):c.6963C>T (p.Thr2321=)

Gene: ACACB (acetyl-CoA carboxylase beta; plus strand). Cytogenetic location: 12q24.11.
Variant type: single nucleotide variant.
Coding change: c.6963C>T on transcript NM_001093.4 (MANE Select); coding-DNA position 6963, C replaced by T.
Protein change: p.Thr2321=; no amino-acid change (threonine 2321 retained).
Molecular consequence: synonymous variant.
Genome position (GRCh38, 1-based): chr12:109,265,130, C>T. VCF-style: chr12-109265130-C-T. GRCh37 (hg19) VCF-style: chr12-109702935-C-T.
Other names: c.6963C>T, p.Thr2321= (NM_001412734.1, NM_001412735.1); c.6357C>T, p.Thr2119= (NM_001412736.1); c.6336C>T, p.Thr2112= (NM_001412737.1); c.6168C>T, p.Thr2056= (NM_001412738.1).
Identifiers: ClinVar variation 2643270 (VCV002643270.24), dbSNP rs532259531, ClinGen allele CA6775304.